The following is an entry in ClinVar:

NM_000283.4(PDE6B):c.1366G>A (p.Val456Met)

Gene: PDE6B (phosphodiesterase 6B; plus strand). Cytogenetic location: 4p16.3.
Variant type: single nucleotide variant.
Coding change: c.1366G>A on transcript NM_000283.4 (MANE Select); coding-DNA position 1366, G replaced by A.
Protein change: p.Val456Met; replaces valine 456 with methionine.
Molecular consequence: missense variant.
Genome position (GRCh38, 1-based): chr4:657,459, G>A. VCF-style: chr4-657459-G-A. GRCh37 (hg19) VCF-style: chr4-651248-G-A.
Other names: c.1366G>A, p.Val456Met (NM_001145291.2); c.529G>A, p.Val177Met (NM_001145292.2, NM_001350154.3, NM_001379246.1 and 1 more transcripts); c.211G>A, p.Val71Met (NM_001350155.3); short protein forms V456M, V177M, V71M.
Identifiers: ClinVar variation 1517821 (VCV001517821.8), dbSNP rs376028657, ClinGen allele CA2794462.

ClinVar aggregate classification (germline): Uncertain significance. Review status: criteria provided, multiple submitters, no conflicts (2 of 4 stars). 3 submissions from 3 submitters: Uncertain significance (2). 1 of the submissions does not count toward it. Last evaluated 2025-05-27.

Conditions:
Retinal dystrophy. Also called: Inherited retinal dystrophy. Identifiers: Orphanet 71862, MedGen C0854723, MeSH D058499, MONDO:0019118, HP:0000556.

Allele frequency attached by ClinVar (database versions not stated): ExAC 0.00001; gnomAD exomes 0.00002; TOPMed 0.00002; 1000 Genomes Project 0.00020; 1000 Genomes Project 30x 0.00031.
gnomAD v4.1: 18 of 1,613,374 alleles (0.0011%); highest among the groups gnomAD compares: African/African-American, 0.0067%; no homozygotes.

Submissions (3):

Labcorp Genetics (formerly Invitae), Labcorp
Classification: Uncertain significance. Last evaluated: 2025-05-27. Review status: criteria provided, single submitter. Criteria: Invitae Variant Classification Sherloc (09022015). Collection method: clinical testing. Allele origin: germline.
Comment: This sequence change replaces valine, which is neutral and non-polar, with methionine, which is neutral and non-polar, at codon 456 of the PDE6B protein (p.Val456Met). This variant is present in population databases (rs376028657, gnomAD 0.008%). This missense change has been observed in individual(s) with clinical features of inherited retinal dystrophy (internal data). ClinVar contains an entry for this variant (Variation ID: 1517821). Invitae Evidence Modeling of protein sequence and biophysical properties (such as structural, functional, and spatial information, amino acid conservation, physicochemical variation, residue mobility, and thermodynamic stability) indicates that this missense variant is not expected to disrupt PDE6B protein function with a negative predictive value of 95%. In summary, the available evidence is currently insufficient to determine the role of this variant in disease. Therefore, it has been classified as a Variant of Uncertain Significance.

Blueprint Genetics
Classification: Uncertain significance. Last evaluated: 2021-09-10. Review status: criteria provided, single submitter. Criteria: ACMG Guidelines, 2015. Collection method: clinical testing. Allele origin: germline.

Institute of Human Genetics, Univ. Regensburg, Univ. Regensburg
Classification: Uncertain significance for Retinal dystrophy. Last evaluated: 2020-01-01. Review status: no assertion criteria provided. Criteria: ACMG Guidelines, 2015. Collection method: clinical testing. Allele origin: germline. Affected: yes. Not counted in ClinVar's aggregate classification.